The following is an entry in ClinVar:

ClinVar aggregate classification (germline): Uncertain significance (1 of 4 stars; one submission).

Submission:

GeneDx
Classification: Uncertain significance. Last evaluated: 2025-05-04. Review status: criteria provided, single submitter. Criteria: GeneDx Variant Classification Process June 2021. Collection method: clinical testing. Allele origin: germline. Affected: yes.
Comment: Not observed at significant frequency in large population cohorts (gnomAD); In silico analysis supports that this missense variant has a deleterious effect on protein structure/function; Has not been previously published as pathogenic or benign to our knowledge

NM_017617.5(NOTCH1):c.842G>T (p.Cys281Phe)

Gene: NOTCH1 (notch receptor 1; minus strand). Cytogenetic location: 9q34.3.
Variant type: single nucleotide variant.
Coding change: c.842G>T on transcript NM_017617.5 (MANE Select); coding-DNA position 842, G replaced by T.
Protein change: p.Cys281Phe; replaces cysteine 281 with phenylalanine.
Molecular consequence: missense variant.
Genome position (GRCh38, 1-based): chr9:136,519,466, C>A on the plus strand (G>T on the coding strand, the complement: NOTCH1 is on the minus strand). VCF-style: chr9-136519466-C-A. GRCh37 (hg19) VCF-style: chr9-139413918-C-A.
Other names: short protein forms C281F.
Identifiers: ClinVar variation 4528141 (VCV004528141.1).